The following is an entry in ClinVar:

ClinVar aggregate classification (germline): Uncertain significance (1 of 4 stars; one submission).

Conditions:
Dilated cardiomyopathy 1G (CMD1G). Identifiers: Orphanet 154, MedGen C1858763, MONDO:0011400, OMIM 604145.
Autosomal recessive limb-girdle muscular dystrophy type 2J (LGMDR10). Also called: Limb-girdle muscular dystrophy, type 2J; MUSCULAR DYSTROPHY, LIMB-GIRDLE, AUTOSOMAL RECESSIVE 10. Identifiers: Orphanet 140922, MedGen C1837342, MONDO:0012127, OMIM 608807.

Submission:

Labcorp Genetics (formerly Invitae), Labcorp
Classification: Uncertain significance for Dilated cardiomyopathy 1G; Autosomal recessive limb-girdle muscular dystrophy type 2J. Last evaluated: 2022-03-18. Review status: criteria provided, single submitter. Criteria: Invitae Variant Classification Sherloc (09022015). Collection method: clinical testing. Allele origin: germline.
Comment: This sequence change replaces valine, which is neutral and non-polar, with isoleucine, which is neutral and non-polar, at codon 34350 of the TTN protein (p.Val34350Ile). This variant is not present in population databases (gnomAD no frequency). This variant has not been reported in the literature in individuals affected with TTN-related conditions. Experimental studies and prediction algorithms are not available or were not evaluated, and the functional significance of this variant is currently unknown. This variant is located in the M band of TTN (PMID: 25589632). Variants in this region may be relevant for neuromuscular disorders, but have not been definitively shown to cause cardiomyopathy (PMID: 23975875). In summary, the available evidence is currently insufficient to determine the role of this variant in disease. Therefore, it has been classified as a Variant of Uncertain Significance.

Literature cited by the submitters: PubMed 25589632; PubMed 23975875.

NM_001267550.2(TTN):c.103048G>A (p.Val34350Ile)

Genes: TTN-AS1 (TTN antisense RNA 1; plus strand), TTN (titin; minus strand). Cytogenetic location: 2q31.2.
Variant type: single nucleotide variant.
Coding change: c.103048G>A on transcript NM_001267550.2 (MANE Select); coding-DNA position 103048, G replaced by A.
Protein change: p.Val34350Ile; replaces valine 34350 with isoleucine.
Molecular consequence: missense variant.
Genome position (GRCh38, 1-based): chr2:178,533,567, C>T on the plus strand (G>A on the coding strand, the complement: TTN is on the minus strand). VCF-style: chr2-178533567-C-T. GRCh37 (hg19) VCF-style: chr2-179398294-C-T.
Other names: c.98125G>A, p.Val32709Ile (NM_001256850.1); c.75853G>A, p.Val25285Ile (NM_003319.4); c.95344G>A, p.Val31782Ile (NM_133378.4); c.76228G>A, p.Val25410Ile (NM_133432.3); c.76429G>A, p.Val25477Ile (NM_133437.4); short protein forms V25477I, V25410I, V31782I, V25285I, V32709I, V34350I.
Identifiers: ClinVar variation 1470781 (VCV001470781.8), dbSNP rs2154135237, ClinGen allele CA349415371.